The following is an entry in ClinVar:

NM_030665.4(RAI1):c.3628G>A (p.Ala1210Thr)

Gene: RAI1 (retinoic acid induced 1; plus strand). Cytogenetic location: 17p11.2.
Variant type: single nucleotide variant.
Coding change: c.3628G>A on transcript NM_030665.4 (MANE Select); coding-DNA position 3628, G replaced by A.
Protein change: p.Ala1210Thr; replaces alanine 1210 with threonine.
Molecular consequence: missense variant.
Genome position (GRCh38, 1-based): chr17:17,796,576, G>A. VCF-style: chr17-17796576-G-A. GRCh37 (hg19) VCF-style: chr17-17699890-G-A.
Other names: short protein forms A1210T.
Identifiers: ClinVar variation 2193106 (VCV002193106.4), dbSNP rs770966880, ClinGen allele CA398554611.
Genomic context (GRCh38, chr17:17,796,576, plus strand): 5'-TCCAGCAGCCCCCAGAAGGAGGGCAGGGTGAGCCAGCGGGCAAGGGTCCCCAAACCTGGT[G>A]CAGGCAGCAAGCTCTCTGACCGGCCCCTCCATGCGCTCAAAAGGAAGTCGGCCTTCATGG-3'
Protein context (NP_109590.3, residues 1200-1220): SQRARVPKPG[Ala1210Thr]GSKLSDRPLH

ClinVar aggregate classification (germline): Uncertain significance (1 of 4 stars; one submission).

gnomAD v4.1: 5 of 1,611,594 alleles (0.00031%); highest among the groups gnomAD compares: Non-Finnish European, 0.00042%; no homozygotes.

Submission:

Labcorp Genetics (formerly Invitae), Labcorp
Classification: Uncertain significance. Last evaluated: 2025-06-08. Review status: criteria provided, single submitter. Criteria: Invitae Variant Classification Sherloc (09022015). Collection method: clinical testing. Allele origin: germline.
Comment: This sequence change replaces alanine, which is neutral and non-polar, with threonine, which is neutral and polar, at codon 1210 of the RAI1 protein (p.Ala1210Thr). The frequency data for this variant in the population databases is considered unreliable, as metrics indicate poor data quality at this position in the gnomAD database. This variant has not been reported in the literature in individuals affected with RAI1-related conditions. ClinVar contains an entry for this variant (Variation ID: 2193106). Invitae Evidence Modeling of protein sequence and biophysical properties (such as structural, functional, and spatial information, amino acid conservation, physicochemical variation, residue mobility, and thermodynamic stability) indicates that this missense variant is not expected to disrupt RAI1 protein function with a negative predictive value of 80%. In summary, the available evidence is currently insufficient to determine the role of this variant in disease. Therefore, it has been classified as a Variant of Uncertain Significance.